The following is an entry in ClinVar:

ClinVar aggregate classification (germline): Uncertain significance (1 of 4 stars; one submission).

Conditions:
CACNA1A-related disorder. Also called: CACNA1A-related condition.

Submission:

Illumina Laboratory Services, Illumina
Classification: Uncertain significance for CACNA1A-related disorders. Last evaluated: 2020-01-22. Review status: criteria provided, single submitter. Criteria: ICSLVariantClassificationCriteria RUGD 01 April 2020. Collection method: clinical testing. Allele origin: unknown.
Comment: The CACNA1A c.7404C>A (p.His2468Gln) variant is a missense variant. A literature search was performed for the gene, cDNA change, and amino acid change. No publications were found based on this search. This variant is not found in the Genome Aggregation Database, in a region of relatively good sequence coverage, so the variant is presumed to be rare. Based on the limited evidence, the p.His2468Gln variant is classified as a variant of unknown significance for CACNA1A-related disorders.

NM_001127222.2(CACNA1A):c.7404C>A (p.His2468Gln)

Gene: CACNA1A (calcium voltage-gated channel subunit alpha1 A; minus strand). Cytogenetic location: 19p13.13.
Variant type: single nucleotide variant.
Coding change: c.7404C>A on transcript NM_001127222.2 (MANE Select); coding-DNA position 7404, C replaced by A.
Protein change: p.His2468Gln; replaces histidine 2468 with glutamine.
Molecular consequence: missense variant. On other transcripts: 3 prime UTR variant (3).
Genome position (GRCh38, 1-based): chr19:13,207,430, G>T on the plus strand (C>A on the coding strand, the complement: CACNA1A is on the minus strand). VCF-style: chr19-13207430-G-T. GRCh37 (hg19) VCF-style: chr19-13318244-G-T.
Other names: c.*616C>A (NM_000068.4, NM_001127221.2, NM_001174080.2); c.7422C>A, p.His2474Gln (NM_023035.3); short protein forms H2474Q, H2468Q.
Identifiers: ClinVar variation 873515 (VCV000873515.4), dbSNP rs748037256, ClinGen allele CA404326915.